The following is an entry in ClinVar:

NM_004260.4(RECQL4):c.2986A>G (p.Met996Val)

Gene: RECQL4 (RecQ like helicase 4; minus strand). Cytogenetic location: 8q24.3.
Variant type: single nucleotide variant.
Coding change: c.2986A>G on transcript NM_004260.4 (MANE Select); coding-DNA position 2986, A replaced by G.
Protein change: p.Met996Val; replaces methionine 996 with valine.
Molecular consequence: missense variant.
Genome position (GRCh38, 1-based): chr8:144,512,461, T>C on the plus strand (A>G on the coding strand, the complement: RECQL4 is on the minus strand). VCF-style: chr8-144512461-T-C. GRCh37 (hg19) VCF-style: chr8-145737844-T-C.
Other names: short protein forms M996V.
Identifiers: ClinVar variation 1392550 (VCV001392550.6), dbSNP rs781661324, ClinGen allele CA4947982.

ClinVar aggregate classification (germline): Uncertain significance (1 of 4 stars; one submission).

Conditions:
Baller-Gerold syndrome (BGS). Also called: CRANIOSYNOSTOSIS WITH RADIAL DEFECTS. Identifiers: Orphanet 1225, MedGen C0265308, MONDO:0009039, OMIM 218600.

Allele frequency attached by ClinVar (database versions not stated): gnomAD exomes below 0.00001; ExAC 0.00001; gnomAD 0.00001; TOPMed 0.00001.

Submission:

Labcorp Genetics (formerly Invitae), Labcorp
Classification: Uncertain significance for Baller-Gerold syndrome. Last evaluated: 2024-09-23. Review status: criteria provided, single submitter. Criteria: Invitae Variant Classification Sherloc (09022015). Collection method: clinical testing. Allele origin: germline.
Comment: This sequence change replaces methionine, which is neutral and non-polar, with valine, which is neutral and non-polar, at codon 996 of the RECQL4 protein (p.Met996Val). This variant is present in population databases (rs781661324, gnomAD 0.007%). This variant has not been reported in the literature in individuals affected with RECQL4-related conditions. ClinVar contains an entry for this variant (Variation ID: 1392550). Invitae Evidence Modeling of protein sequence and biophysical properties (such as structural, functional, and spatial information, amino acid conservation, physicochemical variation, residue mobility, and thermodynamic stability) indicates that this missense variant is not expected to disrupt RECQL4 protein function with a negative predictive value of 80%. In summary, the available evidence is currently insufficient to determine the role of this variant in disease. Therefore, it has been classified as a Variant of Uncertain Significance.